The following is an entry in ClinVar:

ClinVar aggregate classification (germline): Likely benign. Review status: criteria provided, multiple submitters, no conflicts (2 of 4 stars). 2 submissions from 2 submitters: Likely benign (2). Last evaluated 2026-06-12.

Conditions:
Polyps, multiple and recurrent inflammatory fibroid, gastrointestinal. Identifiers: MedGen C5193005, MONDO:0008285, OMIM 175510.
Gastrointestinal stromal tumor. Also called: Gastrointestinal stroma tumor; Gastrointestinal stromal tumor, somatic. Identifiers: Orphanet 44890, MedGen C0238198, MeSH D046152, MONDO:0011719, OMIM 606764, HP:0100723.

Allele frequency attached by ClinVar (database versions not stated): gnomAD exomes below 0.00001.
gnomAD v4.1: 1 of 1,613,328 alleles (0.000062%); highest among the groups gnomAD compares: Admixed American, 0.0017%; no homozygotes.

Submissions (2):

Myriad Genetics, Inc.
Classification: Likely benign for Polyps, multiple and recurrent inflammatory fibroid, gastrointestinal. Last evaluated: 2026-06-12. Review status: criteria provided, single submitter. Criteria: Myriad Autosomal Dominant, Autosomal Recessive and X-Linked Classification Criteria (2023). Collection method: clinical testing. Allele origin: unknown.
Comment: This variant is considered likely benign. This variant is intronic and is not expected to impact mRNA splicing.

Labcorp Genetics (formerly Invitae), Labcorp
Classification: Likely benign for Gastrointestinal stromal tumor. Last evaluated: 2025-07-09. Review status: criteria provided, single submitter. Criteria: Invitae Variant Classification Sherloc (09022015). Collection method: clinical testing. Allele origin: germline.

NM_006206.6(PDGFRA):c.759+10C>G

Gene: PDGFRA (platelet derived growth factor receptor alpha; plus strand). Cytogenetic location: 4q12.
Variant type: single nucleotide variant.
Coding change: c.759+10C>G on transcript NM_006206.6 (MANE Select); 10 bases into the intron after coding-DNA position 759, C replaced by G.
Molecular consequence: intron variant.
Genome position (GRCh38, 1-based): chr4:54,265,059, C>G. VCF-style: chr4-54265059-C-G. GRCh37 (hg19) VCF-style: chr4-55131226-C-G.
Other names: c.834+10C>G (NM_001347828.2); c.759+10C>G (NM_001347827.2, NM_001347829.2); c.798+10C>G (NM_001347830.2).
Identifiers: ClinVar variation 2156776 (VCV002156776.5), dbSNP rs2110258841, ClinGen allele CA2580071245.